The following is an entry in ClinVar:

NM_080425.4(GNAS):c.326C>T (p.Pro109Leu)

Gene: GNAS (GNAS complex locus; plus strand). Cytogenetic location: 20q13.32.
Variant type: single nucleotide variant.
Coding change: c.326C>T on transcript NM_080425.4 (MANE Plus Clinical); coding-DNA position 326, C replaced by T.
Protein change: p.Pro109Leu; replaces proline 109 with leucine.
Molecular consequence: missense variant. On other transcripts: intron variant (3).
Genome position (GRCh38, 1-based): chr20:58,853,591, C>T. VCF-style: chr20-58853591-C-T. GRCh37 (hg19) VCF-style: chr20-57428646-C-T.
Other names: c.139C>T, p.Pro47Ser (NM_001077490.3, NM_001309883.1); c.326C>T, p.Pro109Leu (NM_001410913.1); c.*42+12705C>T (NM_016592.5); c.43+12705C>T (NM_001410912.1); c.-39+11716C>T (NM_001309861.2); short protein forms P109L, P47S.
Identifiers: ClinVar variation 3349236 (VCV003349236.1).
Genomic context (GRCh38, chr20:58,853,591, plus strand): 5'-GAGCCCATGGAAGCTACAGCCCACCTCCTGAGGAAGCAATGCCCTTCGAGGCTGAACAGC[C>T]CAGCTTGGGAGGCTTCTGGCCTACACTGGAGCAGCCTGGATTCCCCAGTGGGGTCCATGC-3'
Protein context (NP_536350.2, residues 99-119): EEAMPFEAEQ[Pro109Leu]SLGGFWPTLE

ClinVar aggregate classification (germline): Uncertain significance (0 of 4 stars; one submission).

Conditions:
GNAS-related disorder. Identifiers: MedGen CN380105.

gnomAD v4.1: 5 of 1,613,318 alleles (0.00031%); highest among the groups gnomAD compares: Non-Finnish European, 0.00042%; no homozygotes.

Submission:

PreventionGenetics, part of Exact Sciences
Classification: Uncertain significance for GNAS-related condition. Last evaluated: 2023-11-29. Review status: no assertion criteria provided. Collection method: clinical testing. Allele origin: germline.
Comment: The GNAS c.326C>T variant is predicted to result in the amino acid substitution p.Pro109Leu. To our knowledge, this variant has not been reported in the literature or in a large population database, indicating this variant is rare. At this time, the clinical significance of this variant is uncertain due to the absence of conclusive functional and genetic evidence.